The following is an entry in ClinVar:

NM_015443.4(KANSL1):c.1831G>A (p.Val611Ile)

Gene: KANSL1 (KAT8 regulatory NSL complex subunit 1). Cytogenetic location: 17q21.31.
Variant type: single nucleotide variant.
Coding change: c.1831G>A on transcript NM_015443.4 (MANE Select); coding-DNA position 1831, G replaced by A.
Protein change: p.Val611Ile; replaces valine 611 with isoleucine.
Molecular consequence: missense variant.
Genome position (GRCh38, 1-based): chr17:46,066,554, C>T on the plus strand (G>A on the coding strand, the complement: KANSL1 is on the minus strand). VCF-style: chr17-46066554-C-T. GRCh37 (hg19) VCF-style: chr17-44143920-C-T.
Other names: c.1831G>A, p.Val611Ile (NM_001193465.2, NM_001193466.2, NM_001379198.1); short protein forms V611I.
Identifiers: ClinVar variation 323778 (VCV000323778.11), dbSNP rs202150313, ClinGen allele CA8618717.

ClinVar aggregate classification (germline): Benign/Likely benign. Review status: criteria provided, multiple submitters, no conflicts (2 of 4 stars). 2 submissions from 2 submitters: Benign (1); Likely benign (1). Last evaluated 2025-08-31.

Conditions:
Koolen-de Vries syndrome (KDVS). Identifiers: Orphanet 96169, MedGen C1864871, MONDO:0012496, OMIM 610443.

Allele frequency attached by ClinVar (database versions not stated): gnomAD exomes 0.00003 and 0.00008; ExAC 0.00004; gnomAD 0.00004; TOPMed 0.00004; ESP Exome Variant Server 0.00008.
gnomAD v4.1: 129 of 1,612,058 alleles (0.008%); highest among the groups gnomAD compares: Non-Finnish European, 0.01%; no homozygotes.

Submissions (2):

Labcorp Genetics (formerly Invitae), Labcorp
Classification: Benign for Koolen-de Vries syndrome. Last evaluated: 2025-08-31. Review status: criteria provided, single submitter. Criteria: Invitae Variant Classification Sherloc (09022015). Collection method: clinical testing. Allele origin: germline.

GeneDx
Classification: Likely benign. Last evaluated: 2017-09-06. Review status: criteria provided, single submitter. Criteria: GeneDx Variant Classification (06012015). Collection method: clinical testing. Allele origin: germline. Affected: yes.
Comment: This variant is considered likely benign or benign based on one or more of the following criteria: it is a conservative change, it occurs at a poorly conserved position in the protein, it is predicted to be benign by multiple in silico algorithms, and/or has population frequency not consistent with disease.